The following is an entry in ClinVar:

NM_000091.5(COL4A3):c.889G>T (p.Gly297Ter)

Genes: COL4A3 (collagen type IV alpha 3 chain; plus strand), MFF-DT (MFF divergent transcript; minus strand). Cytogenetic location: 2q36.3.
Variant type: single nucleotide variant.
Coding change: c.889G>T on transcript NM_000091.5 (MANE Select); coding-DNA position 889, G replaced by T.
Protein change: p.Gly297Ter; replaces glycine 297 with a stop codon.
Molecular consequence: nonsense.
Genome position (GRCh38, 1-based): chr2:227,256,026, G>T. VCF-style: chr2-227256026-G-T. GRCh37 (hg19) VCF-style: chr2-228120742-G-T.
Other names: short protein forms G297*.
Identifiers: ClinVar variation 4817277 (VCV004817277.1).

ClinVar aggregate classification (germline): Likely pathogenic (1 of 4 stars; one submission).

Conditions:
Alport syndrome. Also called: Hemorrhagic familial nephritis; Hemorrhagic hereditary nephritis; Congenital hereditary hematuria. Identifiers: Orphanet 63, MedGen C1567741, MONDO:0018965.

gnomAD v4.1: 9 of 1,613,794 alleles (0.00056%); highest among the groups gnomAD compares: Non-Finnish European, 0.00076%; no homozygotes.

Submission:

Natera, Inc.
Classification: Likely pathogenic for Alport syndrome. Last evaluated: 2024-10-18. Review status: criteria provided, single submitter. Criteria: Natera Variant Classification Schema (03/2026). Collection method: clinical testing. Allele origin: germline.
Comment: The c.889G>T variant in COL4A3 is a nonsense variant predicted to introduce a stop codon at amino acid 297. This variant is expected to result in nonsense mediated decay, truncation, or a dysfunctional protein product. This variant is rare in the general population with a frequency below the threshold expected for the associated phenotype(s). Given the available evidence, this variant is classified as Likely Pathogenic.